The following is an entry in ClinVar:

NC_000004.11:g.(?_88928886)_(88929500_?)del

Gene: PKD2 (polycystin 2, transient receptor potential cation channel; plus strand). Cytogenetic location: 4q22.1.
Variant type: Deletion.
Identifiers: ClinVar variation 3246697 (VCV003246697.1).

ClinVar aggregate classification (germline): Pathogenic (1 of 4 stars; one submission).

Conditions:
Autosomal dominant polycystic kidney disease. Identifiers: Orphanet 730, MedGen C0085413, MONDO:0004691.

Submission:

Labcorp Genetics (formerly Invitae), Labcorp
Classification: Pathogenic for Autosomal dominant polycystic kidney disease. Last evaluated: 2023-11-25. Review status: criteria provided, single submitter. Criteria: Invitae Variant Classification Sherloc (09022015). Collection method: clinical testing. Allele origin: unknown.
Comment: This variant is a gross deletion of the genomic region encompassing exon(s) 1 of the PKD2 gene, which includes the initiator codon. This deletion extends beyond the assayed region for this gene and therefore may encompass additional genes. It is expected to result in an absent or disrupted protein product. Loss-of-function variants in PKD2 are known to be pathogenic (PMID: 17582161, 22863349). A similar copy number variant has been observed in individual(s) with polycystic kidney disease (PMID: 31740684). For these reasons, this variant has been classified as Pathogenic.

Literature cited by the submitters: PubMed 17582161; PubMed 22863349; PubMed 31740684.